The following is an entry in ClinVar:

NM_006662.3(SRCAP):c.8606C>T (p.Ser2869Phe)

Gene: SRCAP (Snf2 related CREBBP activator protein; plus strand). Cytogenetic location: 16p11.2.
Variant type: single nucleotide variant.
Coding change: c.8606C>T on transcript NM_006662.3 (MANE Select); coding-DNA position 8606, C replaced by T.
Protein change: p.Ser2869Phe; replaces serine 2869 with phenylalanine.
Molecular consequence: missense variant.
Genome position (GRCh38, 1-based): chr16:30,738,646, C>T. VCF-style: chr16-30738646-C-T. GRCh37 (hg19) VCF-style: chr16-30749967-C-T.
Other names: short protein forms S2869F.
Identifiers: ClinVar variation 2280133 (VCV002280133.6), dbSNP rs781042610, ClinGen allele CA8012735.

ClinVar aggregate classification (germline): Uncertain significance. Review status: criteria provided, multiple submitters, no conflicts (2 of 4 stars). 3 submissions from 3 submitters: Uncertain significance (3). Last evaluated 2024-05-08.

Conditions:
Developmental delay, hypotonia, musculoskeletal defects, and behavioral abnormalities. Identifiers: MedGen C5562012, MONDO:0859202, OMIM 619595.
Floating-Harbor syndrome (FLHS). Also called: SRCAP-Related Floating-Harbor Syndrome; Short stature with delayed bone age, expressive language delay, a triangular face with a prominent nose and deep-set eyes; Pelletier-Leisti syndrome. Identifiers: Orphanet 2044, MedGen C0729582, MONDO:0007621, OMIM 136140.
Inborn genetic diseases. Identifiers: MedGen C0950123, MeSH D030342.

Allele frequency attached by ClinVar (database versions not stated): gnomAD exomes below 0.00001; ExAC 0.00001.
gnomAD v4.1: 1 of 1,611,556 alleles (0.000062%); highest among the groups gnomAD compares: Admixed American, 0.0017%; no homozygotes.

Submissions (3):

Fulgent Genetics
Classification: Uncertain significance for Floating-Harbor syndrome; Developmental delay, hypotonia, musculoskeletal defects, and behavioral abnormalities. Last evaluated: 2024-05-08. Review status: criteria provided, single submitter. Criteria: ACMG Guidelines, 2015. Collection method: clinical testing. Allele origin: germline.

Labcorp Genetics (formerly Invitae), Labcorp
Classification: Uncertain significance. Last evaluated: 2022-12-03. Review status: criteria provided, single submitter. Criteria: Invitae Variant Classification Sherloc (09022015). Collection method: clinical testing. Allele origin: germline.
Comment: In summary, the available evidence is currently insufficient to determine the role of this variant in disease. Therefore, it has been classified as a Variant of Uncertain Significance. Advanced modeling of protein sequence and biophysical properties (such as structural, functional, and spatial information, amino acid conservation, physicochemical variation, residue mobility, and thermodynamic stability) performed at Invitae indicates that this missense variant is not expected to disrupt SRCAP protein function. This variant has not been reported in the literature in individuals affected with SRCAP-related conditions. This variant is present in population databases (rs781042610, gnomAD 0.003%). This sequence change replaces serine, which is neutral and polar, with phenylalanine, which is neutral and non-polar, at codon 2869 of the SRCAP protein (p.Ser2869Phe).

Ambry Genetics
Classification: Uncertain significance for Inborn genetic diseases. Last evaluated: 2022-03-29. Review status: criteria provided, single submitter. Criteria: Ambry Variant Classification Scheme 2023. Collection method: clinical testing. Allele origin: germline.